The following is an entry in ClinVar:

NM_000252.3(MTM1):c.1708C>T (p.Arg570Trp)

Gene: MTM1 (myotubularin 1; plus strand). Cytogenetic location: Xq28.
Variant type: single nucleotide variant.
Coding change: c.1708C>T on transcript NM_000252.3 (MANE Select); coding-DNA position 1708, C replaced by T.
Protein change: p.Arg570Trp; replaces arginine 570 with tryptophan.
Molecular consequence: missense variant.
Genome position (GRCh38, 1-based): chrX:150,671,491, C>T. VCF-style: chrX-150671491-C-T. GRCh37 (hg19) VCF-style: chrX-149839964-C-T.
Other names: c.1705C>T, p.Arg569Trp (NM_001376906.1); c.1597C>T, p.Arg533Trp (NM_001376907.1); c.1708C>T, p.Arg570Trp (NM_001376908.1); short protein forms R569W, R533W, R570W.
Identifiers: ClinVar variation 4839942 (VCV004839942.1).

ClinVar aggregate classification (germline): Uncertain significance (1 of 4 stars; one submission).

Conditions:
Inborn genetic diseases. Identifiers: MedGen C0950123, MeSH D030342.

gnomAD v4.1: 1 of 1,210,825 alleles (0.000083%); highest among the groups gnomAD compares: Admixed American, 0.0022%; no homozygotes.

Submission:

Ambry Genetics
Classification: Uncertain significance for Inborn genetic diseases. Last evaluated: 2026-02-16. Review status: criteria provided, single submitter. Criteria: Ambry Variant Classification Scheme 2023. Collection method: clinical testing. Allele origin: germline.
Comment: The c.1708C>T (p.R570W) alteration is located in exon 15 (coding exon 14) of the MTM1 gene. This alteration results from a C to T substitution at nucleotide position 1708, causing the arginine (R) at amino acid position 570 to be replaced by a tryptophan (W). Based on data from gnomAD, the T allele has an overall frequency of <0.001% (1/183222) total alleles studied. The highest observed frequency was 0.004% (1/27416) of Latino alleles. Based on insufficient or conflicting evidence, the clinical significance of this alteration remains unclear.